The following is an entry in ClinVar:

NM_014874.4(MFN2):c.638T>C (p.Ile213Thr)

Gene: MFN2 (mitofusin 2; plus strand). Cytogenetic location: 1p36.22.
Variant type: single nucleotide variant.
Coding change: c.638T>C on transcript NM_014874.4 (MANE Select); coding-DNA position 638, T replaced by C.
Protein change: p.Ile213Thr; replaces isoleucine 213 with threonine.
Molecular consequence: missense variant.
Genome position (GRCh38, 1-based): chr1:11,998,808, T>C. VCF-style: chr1-11998808-T-C. GRCh37 (hg19) VCF-style: chr1-12058865-T-C.
Other names: c.638T>C, p.Ile213Thr (NM_001127660.2); short protein forms I213T.
Identifiers: ClinVar variation 575481 (VCV000575481.10), dbSNP rs1557524703, ClinGen allele CA338437956.
Genomic context (GRCh38, chr1:11,998,808, plus strand): 5'-GGTTTACCCCTGTCACCTTTAGCCCTGGTATTGATGTCACCACAGAGCTGGACAGCTGGA[T>C]TGACAAGTTTTGTCTGGATGCTGATGTGTTTGTGCTGGTGGCCAACTCAGAGTCCACCCT-3'
Protein context (NP_055689.1, residues 203-223): IDVTTELDSW[Ile213Thr]DKFCLDADVF

ClinVar aggregate classification (germline): Pathogenic/Likely pathogenic. Review status: criteria provided, multiple submitters, no conflicts (2 of 4 stars). 3 submissions from 3 submitters: Pathogenic (1); Likely pathogenic (1). 1 of the submissions does not count toward it. Last evaluated 2023-05-01.

Conditions:
Charcot-Marie-Tooth disease type 2. Also called: Charcot-Marie-Tooth type 2. Identifiers: Orphanet 64746, MedGen C0270914, MONDO:0018993.
MFN2-related disorder. Also called: MFN2-related condition; MFN2-related disorders.
Charcot-Marie-Tooth disease. Also called: Charcot-Marie-Tooth Hereditary Neuropathy; Charcot-Marie-Tooth Neuropathy. Identifiers: Orphanet 166, MedGen C0007959, MONDO:0015626.

Submissions (3):

Labcorp Genetics (formerly Invitae), Labcorp
Classification: Pathogenic for Charcot-Marie-Tooth disease type 2. Last evaluated: 2023-05-01. Review status: criteria provided, single submitter. Criteria: Invitae Variant Classification Sherloc (09022015). Collection method: clinical testing. Allele origin: germline.
Comment: This missense change has been observed in individuals with clinical features of autosomal dominant Charcot-Marie-Tooth disease (PMID: 16043786; Invitae). It has also been observed to segregate with disease in related individuals. ClinVar contains an entry for this variant (Variation ID: 575481). Advanced modeling of protein sequence and biophysical properties (such as structural, functional, and spatial information, amino acid conservation, physicochemical variation, residue mobility, and thermodynamic stability) performed at Invitae indicates that this missense variant is expected to disrupt MFN2 protein function. Experimental studies have shown that this missense change affects MFN2 function (PMID: 198122151). For these reasons, this variant has been classified as Pathogenic. This variant is not present in population databases (gnomAD no frequency). This sequence change replaces isoleucine, which is neutral and non-polar, with threonine, which is neutral and polar, at codon 213 of the MFN2 protein (p.Ile213Thr).

Blueprint Genetics
Classification: Likely pathogenic for MFN2-related disorders. Last evaluated: 2017-06-06. Review status: criteria provided, single submitter. Criteria: ACMG Guidelines, 2015. Collection method: clinical testing. Allele origin: germline. Affected: yes. Observed: 1 variant allele.

Inherited Neuropathy Consortium
Classification: Uncertain significance for Charcot-Marie-Tooth disease. Review status: no assertion criteria provided. Collection method: literature only. Allele origin: germline. Affected: yes. Not counted in ClinVar's aggregate classification.

Literature cited by the submitters: PubMed 16043786 (cited by Labcorp Genetics (formerly Invitae), Labcorp and Inherited Neuropathy Consortium); PubMed 198122151 (cited by Labcorp Genetics (formerly Invitae), Labcorp).